The following is an entry in ClinVar:

ClinVar aggregate classification (germline): Uncertain significance. Review status: criteria provided, multiple submitters, no conflicts (2 of 4 stars). 2 submissions from 2 submitters: Uncertain significance (2). Last evaluated 2026-06-22.

Conditions:
RASopathy. Also called: Noonan spectrum disorder; rasopathies. Identifiers: Orphanet 536391, MedGen C5555857, MONDO:0021060.
Cardiovascular phenotype. Identifiers: MedGen CN230736.

Allele frequency attached by ClinVar (database versions not stated): gnomAD exomes below 0.00001 and 0.00004; gnomAD 0.00002; TOPMed 0.00002.
gnomAD v4.1: 61 of 1,613,866 alleles (0.0038%); highest among the groups gnomAD compares: Non-Finnish European, 0.0045%; no homozygotes.

Submissions (2):

Ambry Genetics
Classification: Uncertain significance for Cardiovascular phenotype. Last evaluated: 2026-06-22. Review status: criteria provided, single submitter. Criteria: Ambry Variant Classification Scheme 2023. Collection method: clinical testing. Allele origin: germline.
Comment: The p.A208P variant (also known as c.622G>C), located in coding exon 5 of the RAF1 gene, results from a G to C substitution at nucleotide position 622. The alanine at codon 208 is replaced by proline, an amino acid with highly similar properties. This amino acid position is conserved. In addition, this alteration is predicted to be tolerated by in silico analysis. Based on the available evidence, the clinical significance of this variant remains unclear.

Labcorp Genetics (formerly Invitae), Labcorp
Classification: Uncertain significance for RASopathy. Last evaluated: 2026-01-27. Review status: criteria provided, single submitter. Criteria: Invitae Variant Classification Sherloc (09022015). Collection method: clinical testing. Allele origin: germline.
Comment: This sequence change replaces alanine, which is neutral and non-polar, with proline, which is neutral and non-polar, at codon 208 of the RAF1 protein (p.Ala208Pro). This variant is present in population databases (rs767628398, gnomAD 0.007%). This variant has not been reported in the literature in individuals affected with RAF1-related conditions. ClinVar contains an entry for this variant (Variation ID: 640582). Invitae Evidence Modeling of protein sequence and biophysical properties (such as structural, functional, and spatial information, amino acid conservation, physicochemical variation, residue mobility, and thermodynamic stability) indicates that this missense variant is not expected to disrupt RAF1 protein function with a negative predictive value of 95%. In summary, the available evidence is currently insufficient to determine the role of this variant in disease. Therefore, it has been classified as a Variant of Uncertain Significance.

NM_002880.4(RAF1):c.622G>C (p.Ala208Pro)

Gene: RAF1 (Raf-1 proto-oncogene, serine/threonine kinase; minus strand). Cytogenetic location: 3p25.2.
Variant type: single nucleotide variant.
Coding change: c.622G>C on transcript NM_002880.4 (MANE Select); coding-DNA position 622, G replaced by C.
Protein change: p.Ala208Pro; replaces alanine 208 with proline.
Molecular consequence: missense variant. On other transcripts: non-coding transcript variant (3), intron variant (2).
Genome position (GRCh38, 1-based): chr3:12,606,259, C>G on the plus strand (G>C on the coding strand, the complement: RAF1 is on the minus strand). VCF-style: chr3-12606259-C-G. GRCh37 (hg19) VCF-style: chr3-12647758-C-G.
Other names: c.622G>C, p.Ala208Pro (NM_001354689.3, NM_001354690.3); c.379G>C, p.Ala127Pro (NM_001354691.3, NM_001354692.3, NM_001354694.3); c.339-1970G>C (NM_001354695.3); c.582-1970G>C (NM_001354693.3); short protein forms A127P, A208P.
Identifiers: ClinVar variation 640582 (VCV000640582.7), dbSNP rs767628398, ClinGen allele CA69620936.